The following is an entry in ClinVar:

ClinVar aggregate classification (germline): Uncertain significance (1 of 4 stars; one submission).

Conditions:
Duchenne muscular dystrophy (DMD). Also called: MUSCULAR DYSTROPHY, PSEUDOHYPERTROPHIC PROGRESSIVE, DUCHENNE TYPE; Duchenne Muscular Dystrophy (DMD). Identifiers: Orphanet 98896, MedGen C0013264, MONDO:0010679, OMIM 310200.

gnomAD v4.1: 2 of 1,211,480 alleles (0.00017%); highest among the groups gnomAD compares: Non-Finnish European, 0.00022%; no homozygotes.

Submission:

Labcorp Genetics (formerly Invitae), Labcorp
Classification: Uncertain significance for Duchenne muscular dystrophy. Last evaluated: 2025-09-22. Review status: criteria provided, single submitter. Criteria: Invitae Variant Classification Sherloc (09022015). Collection method: clinical testing. Allele origin: germline.
Comment: This sequence change replaces leucine, which is neutral and non-polar, with proline, which is neutral and non-polar, at codon 2278 of the DMD protein (p.Leu2278Pro). This variant is present in population databases (no rsID available, gnomAD 0.001%). This variant has not been reported in the literature in individuals affected with DMD-related conditions. Invitae Evidence Modeling of protein sequence and biophysical properties (such as structural, functional, and spatial information, amino acid conservation, physicochemical variation, residue mobility, and thermodynamic stability) indicates that this missense variant is not expected to disrupt DMD protein function with a negative predictive value of 95%. In summary, the available evidence is currently insufficient to determine the role of this variant in disease. Therefore, it has been classified as a Variant of Uncertain Significance.

NM_004006.3(DMD):c.6833T>C (p.Leu2278Pro)

Gene: DMD (dystrophin; minus strand). Cytogenetic location: Xp21.1.
Variant type: single nucleotide variant.
Coding change: c.6833T>C on transcript NM_004006.3 (MANE Select); coding-DNA position 6833, T replaced by C.
Protein change: p.Leu2278Pro; replaces leucine 2278 with proline.
Molecular consequence: missense variant. On other transcripts: 5 prime UTR variant (5).
Genome position (GRCh38, 1-based): chrX:31,929,675, A>G on the plus strand (T>C on the coding strand, the complement: DMD is on the minus strand). VCF-style: chrX-31929675-A-G. GRCh37 (hg19) VCF-style: chrX-31947792-A-G.
Other names: c.6809T>C, p.Leu2270Pro (NM_000109.4); c.6821T>C, p.Leu2274Pro (NM_004009.3); c.6464T>C, p.Leu2155Pro (NM_004010.3); c.2810T>C, p.Leu937Pro (NM_004011.4); c.2801T>C, p.Leu934Pro (NM_004012.4); c.-548T>C (NM_004013.3, NM_004020.4, NM_004021.3 and 2 more transcripts); short protein forms L2155P, L2278P, L934P, L2274P, L2270P, L937P.
Identifiers: ClinVar variation 4696229 (VCV004696229.1).